The following is an entry in ClinVar:

ClinVar aggregate classification (germline): Uncertain significance. Review status: criteria provided, multiple submitters, no conflicts (2 of 4 stars). 2 submissions from 2 submitters: Uncertain significance (2). Last evaluated 2022-03-24.

Conditions:
Cone-rod dystrophy 13 (CORD13). Identifiers: Orphanet 1872, MedGen C2750720, MONDO:0011987, OMIM 608194.
Leber congenital amaurosis 6 (LCA6). Identifiers: Orphanet 65, MedGen C1854260, MONDO:0013446, OMIM 613826.

Allele frequency attached by ClinVar (database versions not stated): gnomAD exomes 0.00001; ExAC 0.00002; TOPMed 0.00014; gnomAD 0.00021 and 0.00023.
gnomAD v4.1: 47 of 1,445,842 alleles (0.0033%); highest among the groups gnomAD compares: Admixed American, 0.093%; no homozygotes.

Submissions (2):

Blueprint Genetics
Classification: Uncertain significance. Last evaluated: 2022-03-24. Review status: criteria provided, single submitter. Criteria: ACMG Guidelines, 2015. Collection method: clinical testing. Allele origin: germline.

Labcorp Genetics (formerly Invitae), Labcorp
Classification: Uncertain significance for Leber congenital amaurosis 6; Cone-rod dystrophy 13. Last evaluated: 2021-08-31. Review status: criteria provided, single submitter. Criteria: Invitae Variant Classification Sherloc (09022015). Collection method: clinical testing. Allele origin: germline.
Comment: This sequence change replaces glutamic acid with lysine at codon 305 of the RPGRIP1 protein (p.Glu305Lys). The glutamic acid residue is moderately conserved and there is a small physicochemical difference between glutamic acid and lysine. This variant is present in population databases (rs752956324, ExAC 0.04%). This variant has not been reported in the literature in individuals affected with RPGRIP1-related conditions. Algorithms developed to predict the effect of missense changes on protein structure and function (SIFT, PolyPhen-2, Align-GVGD) all suggest that this variant is likely to be tolerated. In summary, the available evidence is currently insufficient to determine the role of this variant in disease. Therefore, it has been classified as a Variant of Uncertain Significance.

NM_020366.4(RPGRIP1):c.913G>A (p.Glu305Lys)

Gene: RPGRIP1 (RPGR interacting protein 1; plus strand). Cytogenetic location: 14q11.2.
Variant type: single nucleotide variant.
Coding change: c.913G>A on transcript NM_020366.4 (MANE Select); coding-DNA position 913, G replaced by A.
Protein change: p.Glu305Lys; replaces glutamic acid 305 with lysine.
Molecular consequence: missense variant.
Genome position (GRCh38, 1-based): chr14:21,310,590, G>A. VCF-style: chr14-21310590-G-A. GRCh37 (hg19) VCF-style: chr14-21778749-G-A.
Other names: short protein forms E305K.
Identifiers: ClinVar variation 1054575 (VCV001054575.7), dbSNP rs752956324, ClinGen allele CA7088786.